The following is an entry in ClinVar:

ClinVar aggregate classification (germline): Likely benign. Review status: criteria provided, multiple submitters, no conflicts (2 of 4 stars). 4 submissions from 4 submitters: Likely benign (3). 1 of the submissions does not count toward it. Last evaluated 2026-01-15.

Conditions:
NIN-related disorder. Also called: NIN-related condition.

Allele frequency attached by ClinVar (database versions not stated): 1000 Genomes Project 0.00160; 1000 Genomes Project 30x 0.00187; gnomAD 0.00235; TOPMed 0.00251; ESP Exome Variant Server 0.00308.
gnomAD v4.1: 6,156 of 1,614,162 alleles (0.38%); highest among the groups gnomAD compares: Non-Finnish European, 0.47%; 17 homozygotes.

Submissions (10):

Labcorp Genetics (formerly Invitae), Labcorp
Classification: Likely benign. Last evaluated: 2026-01-15. Review status: criteria provided, single submitter. Criteria: Invitae Variant Classification Sherloc (09022015). Collection method: clinical testing. Allele origin: germline.

CeGaT Center for Human Genetics Tuebingen
Classification: Likely benign. Last evaluated: 2025-07-01. Review status: criteria provided, single submitter. Criteria: CeGaT Center For Human Genetics Tuebingen Variant Classification Criteria Version 2. Collection method: clinical testing. Allele origin: germline. Affected: yes. Observed: 2 variant alleles.
Comment: NIN: BP4, BS2

Genetic Services Laboratory, University of Chicago
Classification: Likely benign. Last evaluated: 2020-11-16. Review status: criteria provided, single submitter. Criteria: ACMG Guidelines, 2015. Collection method: clinical testing. Allele origin: germline. Affected: no.

PreventionGenetics, part of Exact Sciences
Classification: Likely benign for NIN-related condition. Last evaluated: 2022-04-20. Review status: no assertion criteria provided. Collection method: clinical testing. Allele origin: germline. Not counted in ClinVar's aggregate classification.
Comment: This variant is classified as likely benign based on ACMG/AMP sequence variant interpretation guidelines (Richards et al. 2015 PMID: 25741868, with internal and published modifications).

Dr. Peter K. Rogan Lab, Western University
No classification provided (evidence only). Condition: Lung cancer. Review status: no classification provided. Collection method: in vitro. Allele origin: not applicable. Functional consequence: retained intron. Not counted in ClinVar's aggregate classification.

Dr. Peter K. Rogan Lab, Western University
No classification provided (evidence only). Condition: Melanoma. Review status: no classification provided. Collection method: in vitro. Allele origin: not applicable. Functional consequence: retained intron. Not counted in ClinVar's aggregate classification.

Dr. Peter K. Rogan Lab, Western University
No classification provided (evidence only). Condition: Melanoma. Review status: no classification provided. Collection method: in vitro. Allele origin: not applicable. Functional consequence: retained intron. Not counted in ClinVar's aggregate classification.

Dr. Peter K. Rogan Lab, Western University
No classification provided (evidence only). Condition: Malignant lymphoma, large B-cell, diffuse. Review status: no classification provided. Collection method: in vitro. Allele origin: not applicable. Functional consequence: retained intron. Not counted in ClinVar's aggregate classification.

Dr. Peter K. Rogan Lab, Western University
No classification provided (evidence only). Condition: Thymoma. Review status: no classification provided. Collection method: in vitro. Allele origin: not applicable. Functional consequence: retained intron. Not counted in ClinVar's aggregate classification.

Dr. Peter K. Rogan Lab, Western University
No classification provided (evidence only). Condition: Malignant tumor of esophagus. Review status: no classification provided. Collection method: in vitro. Allele origin: not applicable. Functional consequence: retained intron. Not counted in ClinVar's aggregate classification.

NM_020921.4(NIN):c.2987C>T (p.Ala996Val)

Gene: NIN (ninein; minus strand). Cytogenetic location: 14q22.1.
Variant type: single nucleotide variant.
Coding change: c.2987C>T on transcript NM_020921.4 (MANE Select); coding-DNA position 2987, C replaced by T.
Protein change: p.Ala996Val; replaces alanine 996 with valine.
Molecular consequence: missense variant. On other transcripts: intron variant (1).
Genome position (GRCh38, 1-based): chr14:50,758,043, G>A on the plus strand (C>T on the coding strand, the complement: NIN is on the minus strand). VCF-style: chr14-50758043-G-A. GRCh37 (hg19) VCF-style: chr14-51224761-G-A.
Other names: c.2987C>T, p.Ala996Val (NM_182944.3, NM_182946.2); c.2399+1814C>T (NM_016350.5); short protein forms A996V.
Identifiers: ClinVar variation 211604 (VCV000211604.59), dbSNP rs41313507, ClinGen allele CA207505.